The following is an entry in ClinVar:

NM_001122681.2(SH3BP2):c.855G>A (p.Met285Ile)

Gene: SH3BP2 (SH3 domain binding protein 2; plus strand). Cytogenetic location: 4p16.3.
Variant type: single nucleotide variant.
Coding change: c.855G>A on transcript NM_001122681.2 (MANE Select); coding-DNA position 855, G replaced by A.
Protein change: p.Met285Ile; replaces methionine 285 with isoleucine.
Molecular consequence: missense variant.
Genome position (GRCh38, 1-based): chr4:2,829,761, G>A. VCF-style: chr4-2829761-G-A. GRCh37 (hg19) VCF-style: chr4-2831488-G-A.
Other names: c.939G>A, p.Met313Ile (NM_001145855.2); c.1026G>A, p.Met342Ile (NM_001145856.2); c.855G>A, p.Met285Ile (NM_003023.4); short protein forms M285I, M342I, M313I.
Identifiers: ClinVar variation 4754418 (VCV004754418.1).

ClinVar aggregate classification (germline): Uncertain significance (1 of 4 stars; one submission).

Conditions:
Fibrous dysplasia of jaw (CRBM). Also called: Cherubism. Identifiers: Orphanet 184, MedGen C0008029, MONDO:0007315, OMIM 118400.

Submission:

Labcorp Genetics (formerly Invitae), Labcorp
Classification: Uncertain significance for Fibrous dysplasia of jaw. Last evaluated: 2025-10-01. Review status: criteria provided, single submitter. Criteria: Invitae Variant Classification Sherloc (09022015). Collection method: clinical testing. Allele origin: germline.
Comment: This sequence change replaces methionine, which is neutral and non-polar, with isoleucine, which is neutral and non-polar, at codon 285 of the SH3BP2 protein (p.Met285Ile). This variant is not present in population databases (gnomAD no frequency). This variant has not been reported in the literature in individuals affected with SH3BP2-related conditions. Invitae Evidence Modeling of protein sequence and biophysical properties (such as structural, functional, and spatial information, amino acid conservation, physicochemical variation, residue mobility, and thermodynamic stability) indicates that this missense variant is not expected to disrupt SH3BP2 protein function with a negative predictive value of 95%. In summary, the available evidence is currently insufficient to determine the role of this variant in disease. Therefore, it has been classified as a Variant of Uncertain Significance.